The following is an entry in ClinVar:

ClinVar aggregate classification (germline): Uncertain significance. Review status: criteria provided, multiple submitters, no conflicts (2 of 4 stars). 2 submissions from 2 submitters: Uncertain significance (2). Last evaluated 2024-11-18.

Conditions:
Combined immunodeficiency due to CTPS1 deficiency. Also called: Severe combined immunodeficiency due to CTPS1 deficiency; Immunodeficiency 24. Identifiers: Orphanet 420573, MedGen C4014617, MONDO:0014391, OMIM 615897.

Allele frequency attached by ClinVar (database versions not stated): ESP Exome Variant Server 0.00008; gnomAD exomes 0.00010; ExAC 0.00012; 1000 Genomes Project 30x 0.00016; 1000 Genomes Project 0.00020; gnomAD 0.00023 and 0.00027; TOPMed 0.00027.
gnomAD v4.1: 107 of 1,614,160 alleles (0.0066%); highest among the groups gnomAD compares: African/African-American, 0.073%; no homozygotes.

Submissions (2):

Labcorp Genetics (formerly Invitae), Labcorp
Classification: Uncertain significance for Combined immunodeficiency due to CTPS1 deficiency. Last evaluated: 2024-11-18. Review status: criteria provided, single submitter. Criteria: Invitae Variant Classification Sherloc (09022015). Collection method: clinical testing. Allele origin: germline.
Comment: This sequence change replaces alanine, which is neutral and non-polar, with threonine, which is neutral and polar, at codon 471 of the CTPS1 protein (p.Ala471Thr). This variant is present in population databases (rs374862639, gnomAD 0.07%). This variant has not been reported in the literature in individuals affected with CTPS1-related conditions. ClinVar contains an entry for this variant (Variation ID: 933513). An algorithm developed to predict the effect of missense changes on protein structure and function outputs the following: PolyPhen-2: "Benign". The threonine amino acid residue is found in multiple mammalian species, which suggests that this missense change does not adversely affect protein function. In summary, the available evidence is currently insufficient to determine the role of this variant in disease. Therefore, it has been classified as a Variant of Uncertain Significance.

Ambry Genetics
Classification: Uncertain significance. Last evaluated: 2024-07-14. Review status: criteria provided, single submitter. Criteria: Ambry Variant Classification Scheme 2023. Collection method: clinical testing. Allele origin: germline.

NM_001905.4(CTPS1):c.1411G>A (p.Ala471Thr)

Gene: CTPS1 (CTP synthase 1; plus strand). Cytogenetic location: 1p34.2.
Variant type: single nucleotide variant.
Coding change: c.1411G>A on transcript NM_001905.4 (MANE Select); coding-DNA position 1411, G replaced by A.
Protein change: p.Ala471Thr; replaces alanine 471 with threonine.
Molecular consequence: missense variant. On other transcripts: non-coding transcript variant (1).
Genome position (GRCh38, 1-based): chr1:41,008,676, G>A. VCF-style: chr1-41008676-G-A. GRCh37 (hg19) VCF-style: chr1-41474348-G-A.
Other names: c.1411G>A (NM_001905.2); c.943G>A, p.Ala315Thr (NM_001301237.2); short protein forms A315T, A471T.
Identifiers: ClinVar variation 933513 (VCV000933513.8), dbSNP rs374862639, ClinGen allele CA795542.
Genomic context (GRCh38, chr1:41,008,676, plus strand): 5'-TGTGAGATAAAGTTCTTTACATACAGCCCGTTTGTTTTGCCAGGGAAACTCTATGGAGAC[G>A]CAGACTACTTGGAAGAGAGGCACCGCCACCGATTTGAGGTGAGGATTCCAGCTTGCTGGT-3'
Protein context (NP_001896.2, residues 461-481): NSVMRKLYGD[Ala471Thr]DYLEERHRHR